The following is an entry in ClinVar:

ClinVar aggregate classification (germline): Uncertain significance (1 of 4 stars; one submission).

Allele frequency attached by ClinVar (database versions not stated): TOPMed below 0.00001.

Submission:

GeneDx
Classification: Uncertain significance. Last evaluated: 2022-02-05. Review status: criteria provided, single submitter. Criteria: GeneDx Variant Classification Process June 2021. Collection method: clinical testing. Allele origin: germline. Affected: yes.
Comment: In silico analysis supports that this missense variant does not alter protein structure/function; Has not been previously published as pathogenic or benign to our knowledge

NM_197968.4(ZMYM2):c.1262A>G (p.Asn421Ser)

Gene: ZMYM2 (zinc finger MYM-type containing 2; plus strand). Cytogenetic location: 13q12.11.
Variant type: single nucleotide variant.
Coding change: c.1262A>G on transcript NM_197968.4 (MANE Select); coding-DNA position 1262, A replaced by G.
Protein change: p.Asn421Ser; replaces asparagine 421 with serine.
Molecular consequence: missense variant. On other transcripts: non-coding transcript variant (1).
Genome position (GRCh38, 1-based): chr13:20,005,202, A>G. VCF-style: chr13-20005202-A-G. GRCh37 (hg19) VCF-style: chr13-20579342-A-G.
Other names: c.1262A>G, p.Asn421Ser (NM_001190964.4, NM_001190965.4, NM_001353157.2 and 5 more transcripts); c.1067A>G, p.Asn356Ser (NM_001353161.3); c.1001A>G, p.Asn334Ser (NM_001353163.2); short protein forms N334S, N356S, N421S.
Identifiers: ClinVar variation 1700561 (VCV001700561.2), dbSNP rs1263658237, ClinGen allele CA387670409.
Genomic context (GRCh38, chr13:20,005,202, plus strand): 5'-GTAGTACATCTTGTTTATCTCTCTATGAAGACAAACAGAATCCTACTAAAGGAGCTCTAA[A>G]TAAATCAAGATGTACAATCTGTGGTAAACTAACTGAGGTTTGTATTTTTTTTCTTTATCA-3'
Protein context (NP_932072.1, residues 411-431): DKQNPTKGAL[Asn421Ser]KSRCTICGKL